The following is an entry in ClinVar:

ClinVar aggregate classification (germline): Uncertain significance (1 of 4 stars; one submission).

Conditions:
CFAP57-related disorder. Also called: CFAP57-related condition.

Submission:

PreventionGenetics, part of Exact Sciences
Classification: Uncertain significance for CFAP57-related condition. Last evaluated: 2025-09-03. Review status: criteria provided, single submitter. Criteria: ACMG Guidelines, 2015. Collection method: clinical testing. Allele origin: germline.
Comment: The CFAP57 c.1639G>A variant is predicted to result in the amino acid substitution p.Glu547Lys. To our knowledge, this variant has not been reported in the literature or in a large population database (gnomAD), indicating this variant is rare. At this time, the clinical significance of this variant is uncertain due to the absence of conclusive functional and genetic evidence.

NM_001378189.1(CFAP57):c.1639G>A (p.Glu547Lys)

Genes: EBNA1BP2 (EBNA1 binding protein 2; minus strand), CFAP57 (cilia and flagella associated protein 57; plus strand), LOC105378685 (uncharacterized LOC105378685; minus strand), LOC126805719 (P300/CBP strongly-dependent group 1 enhancer GRCh37_chr1:43671864-43673063; plus strand). Cytogenetic location: 1p34.2.
Variant type: single nucleotide variant.
Coding change: c.1639G>A on transcript NM_001378189.1 (MANE Select); coding-DNA position 1639, G replaced by A.
Protein change: p.Glu547Lys; replaces glutamic acid 547 with lysine.
Molecular consequence: missense variant.
Genome position (GRCh38, 1-based): chr1:43,206,816, G>A. VCF-style: chr1-43206816-G-A. GRCh37 (hg19) VCF-style: chr1-43672487-G-A.
Other names: c.1639G>A, p.Glu547Lys (NM_001167965.1, NM_001195831.3, NM_152498.3); short protein forms E547K.
Identifiers: ClinVar variation 5001534 (VCV005001534.1).